The following is an entry in ClinVar:

NM_000170.3(GLDC):c.256-2A>G

Gene: GLDC (glycine decarboxylase; minus strand). Cytogenetic location: 9p24.1.
Variant type: single nucleotide variant.
Coding change: c.256-2A>G on transcript NM_000170.3 (MANE Select); the canonical splice acceptor site of the intron before coding-DNA position 256, A replaced by G.
Molecular consequence: splice acceptor variant.
Genome position (GRCh38, 1-based): chr9:6,644,694, T>C on the plus strand (A>G on the coding strand, the complement: GLDC is on the minus strand). VCF-style: chr9-6644694-T-C. GRCh37 (hg19) VCF-style: chr9-6644694-T-C.
Identifiers: ClinVar variation 2429134 (VCV002429134.8), dbSNP rs2489160744, ClinGen allele CA372885991.

ClinVar aggregate classification (germline): Likely pathogenic (1 of 4 stars; one submission).

Conditions:
Glycine encephalopathy. Also called: Nonketotic hyperglycinemia; Non-ketotic hyperglycinemia. Identifiers: Orphanet 407, MedGen C0751748, MONDO:0011612, HP:0008288.

Allele frequency attached by ClinVar (database versions not stated): gnomAD exomes below 0.00001.
gnomAD v4.1: 1 of 1,607,838 alleles (0.000062%); highest among the groups gnomAD compares: Non-Finnish European, 0.000085%; no homozygotes.

Submission:

Women's Health and Genetics/Laboratory Corporation of America, LabCorp
Classification: Likely pathogenic for Glycine encephalopathy. Last evaluated: 2025-09-24. Review status: criteria provided, single submitter. Criteria: LabCorp Variant Classification Summary - May 2015. Collection method: clinical testing. Allele origin: germline.
Comment: Variant summary: GLDC c.256-2A>G is located in a canonical splice-site and is predicted to affect mRNA splicing resulting in a significantly altered protein due to either exon skipping, shortening, or inclusion of intronic material. Variants that disrupt the consensus splice site are a relatively common cause of aberrant splicing and loss of GLDC function. Several computational tools predict a significant impact on normal splicing: Four predict the variant abolishes a 3 acceptor site. However, these predictions have yet to be confirmed by functional studies. The variant was absent in 251188 control chromosomes. To our knowledge, no occurrence of c.256-2A>G in individuals affected with GLDC-related conditions and no experimental evidence demonstrating its impact on protein function have been reported. ClinVar contains an entry for this variant (Variation ID: 2429134). Based on the evidence outlined above, the variant was classified as likely pathogenic.